The following is an entry in ClinVar:

ClinVar aggregate classification (germline): Pathogenic (1 of 4 stars; one submission).
ClinVar aggregate classification (oncogenicity): Likely oncogenic (1 of 4 stars; one submission).

Conditions:
Neurofibromatosis, type 1 (NF1). Also called: Neurofibromatosis, type I; VON RECKLINGHAUSEN DISEASE; Peripheral type neurofibromatosis; NEUROFIBROMATOSIS, TYPE I, SOMATIC. Identifiers: Orphanet 636, MedGen C0027831, MONDO:0018975, OMIM 162200. Disease mechanism: loss of function.
Neoplasm. Also called: Neoplasms; Neoplasm (disease); tumor. Identifiers: MedGen C0027651, MeSH D009369, MONDO:0005070, HP:0002664.

Submissions (2):

Center for Genomic Medicine, Rigshospitalet, Copenhagen University Hospital
Classification: Likely oncogenic for Neoplasm. Last evaluated: 2026-10-16. Review status: criteria provided, single submitter. Criteria: ClinGen/CGC/VICC Guidelines for Oncogenicity, 2022. Collection method: clinical testing. Allele origin: somatic. Affected: yes.

Labcorp Genetics (formerly Invitae), Labcorp
Classification: Pathogenic for Neurofibromatosis, type 1. Last evaluated: 2020-10-19. Review status: criteria provided, single submitter. Criteria: Invitae Variant Classification Sherloc (09022015). Collection method: clinical testing. Allele origin: germline.
Comment: This sequence change creates a premature translational stop signal (p.Asp352Ilefs*24) in the NF1 gene. It is expected to result in an absent or disrupted protein product. This variant is not present in population databases (ExAC no frequency). This variant has not been reported in the literature in individuals with NF1-related conditions. Loss-of-function variants in NF1 are known to be pathogenic (PMID: 10712197, 23913538). For these reasons, this variant has been classified as Pathogenic.

Literature cited by the submitters: PubMed 10712197 (cited by Labcorp Genetics (formerly Invitae), Labcorp); PubMed 23913538 (cited by Labcorp Genetics (formerly Invitae), Labcorp).

NM_001042492.3(NF1):c.1054del (p.Asp352fs)

Gene: NF1 (neurofibromin 1; plus strand). Cytogenetic location: 17q11.2.
Variant type: Deletion.
Coding change: c.1054del on transcript NM_001042492.3 (MANE Select); coding-DNA position 1054, one base deleted (G; older notation c.1054delG).
Protein change: p.Asp352fs; shifts the reading frame from aspartic acid 352.
Molecular consequence: frameshift variant.
Genome position (GRCh38, 1-based): chr17:31,200,587, G deleted. VCF-style (leftmost placement, unchanged base first): chr17-31200586-TG-T. GRCh37 (hg19) VCF-style: chr17-29527604-TG-T.
Other names: c.1054delG, p.Asp352Ilefs (NM_000267.4); c.1054del, p.Asp352fs (NM_001128147.3); c.1054delG (NM_000267.3); short protein forms D352fs.
Identifiers: ClinVar variation 1074403 (VCV001074403.2), dbSNP rs2143874573, ClinGen allele CA2499224016.